The following is an entry in ClinVar:

ClinVar aggregate classification (germline): Uncertain significance (1 of 4 stars; one submission).

Submission:

Women's Health and Genetics/Laboratory Corporation of America, LabCorp
Classification: Uncertain significance. Last evaluated: 2025-10-28. Review status: criteria provided, single submitter. Criteria: LabCorp Variant Classification Summary - May 2015. Collection method: clinical testing. Allele origin: germline.
Comment: Variant summary: EGR2 c.3G>C (p.Met1Ile) alters the initiation codon and is predicted to result either in absence of the protein or truncation of the encoded protein due to translation initiation at a downstream codon. The variant was absent in 251492 control chromosomes. The available data on variant occurrences in the general population are insufficient to allow any conclusion about variant significance. To our knowledge, no occurrence of c.3G>C in individuals affected with EGR2-related conditions and no experimental evidence demonstrating its impact on protein function have been reported. No submitters have cited clinical-significance assessments for this variant to ClinVar. Based on the evidence outlined above, the variant was classified as uncertain significance.

NM_000399.5(EGR2):c.3G>C (p.Met1Ile)

Gene: EGR2 (early growth response 2; minus strand). Cytogenetic location: 10q21.3.
Variant type: single nucleotide variant.
Coding change: c.3G>C on transcript NM_000399.5 (MANE Select); coding-DNA position 3, G replaced by C.
Protein change: p.Met1Ile; changes the start codon (methionine 1).
Molecular consequence: missense variant, initiator codon variant. On other transcripts: intron variant (3).
Genome position (GRCh38, 1-based): chr10:62,816,027, C>G on the plus strand (G>C on the coding strand, the complement: EGR2 is on the minus strand). VCF-style: chr10-62816027-C-G. GRCh37 (hg19) VCF-style: chr10-64575787-C-G.
Other names: c.3G>C, p.Met1Ile (NM_001136177.3, NM_001136178.2); c.100-58G>C (NM_001410931.1); c.-90-58G>C (NM_001321037.2); c.-91+43G>C (NM_001136179.3); short protein forms M1I.
Identifiers: ClinVar variation 4687684 (VCV004687684.1).
Genomic context (GRCh38, chr10:62,816,027, plus strand): 5'-CAGCTGGTGCACAAAACCACTGAGAGTTACTGGGATTTTGTCTACGGCCTTGGCGGTCAT[C>G]ATTTGCTCCTCGCACAACCTGGAGACCCAACTCCCTCGCTACCTGGAGTGTCAGAAAAGC-3'
Protein context (NP_000390.2, residues 1-11): [Met1Ile]MTAKAVDKIP